The following is an entry in ClinVar:

NM_000528.4(MAN2B1):c.1358C>T (p.Ser453Phe)

Genes: MAN2B1 (mannosidase alpha class 2B member 1; minus strand), LOC129391064 (MPRA-validated peak3365 silencer; plus strand). Cytogenetic location: 19p13.13.
Variant type: single nucleotide variant.
Coding change: c.1358C>T on transcript NM_000528.4 (MANE Select); coding-DNA position 1358, C replaced by T.
Protein change: p.Ser453Phe; replaces serine 453 with phenylalanine.
Molecular consequence: missense variant.
Genome position (GRCh38, 1-based): chr19:12,657,507, G>A on the plus strand (C>T on the coding strand, the complement: MAN2B1 is on the minus strand). VCF-style: chr19-12657507-G-A. GRCh37 (hg19) VCF-style: chr19-12768321-G-A.
Other names: c.1355C>T, p.Ser452Phe (NM_001173498.2); short protein forms S453F, S452F.
Identifiers: ClinVar variation 208268 (VCV000208268.5), dbSNP rs864621984, ClinGen allele CA350995.

ClinVar aggregate classification (germline): Likely pathogenic. Review status: criteria provided, multiple submitters, no conflicts (2 of 4 stars). 3 submissions from 3 submitters: Likely pathogenic (2). 1 of the submissions does not count toward it. Last evaluated 2025-11-10.

Conditions:
Deficiency of alpha-mannosidase (MANSA). Also called: LYSOSOMAL ALPHA-D-MANNOSIDASE DEFICIENCY; Mannosidosis, alpha-, types I and II; Alpha-Mannosidosis. Identifiers: Orphanet 61, MedGen C0024748, MONDO:0009561, OMIM 248500.

gnomAD v4.1: 2 of 1,570,010 alleles (0.00013%); highest among the groups gnomAD compares: Non-Finnish European, 0.00017%; no homozygotes.

Submissions (3):

Natera, Inc.
Classification: Likely pathogenic for Alpha-mannosidosis. Last evaluated: 2025-11-10. Review status: criteria provided, single submitter. Criteria: Natera Variant Classification Schema (03/2026). Collection method: clinical testing. Allele origin: germline.
Comment: The c.1358C>T variant in MAN2B1 is a missense variant predicted to cause substitution of serine to phenylalanine at amino acid 453. This variant is rare in the general population with a frequency below the threshold expected for the associated phenotype(s). This variant has been observed in one or more individuals affected with the associated recessive disease, as either homozygous or compound heterozygous with a second variant (PMID: 26048034). Additionally, this variant has been observed to segregate in affected family members (PMID: 26048034). Functional studies show that this variant may disrupt protein function (PMID: 21505070, 25762455). Computational prediction algorithms indicate this variant is likely to affect gene or protein function. Given the available evidence, this variant is classified as Likely Pathogenic.

Labcorp Genetics (formerly Invitae), Labcorp
Classification: Likely pathogenic for Deficiency of alpha-mannosidase. Last evaluated: 2023-01-17. Review status: criteria provided, single submitter. Criteria: Invitae Variant Classification Sherloc (09022015). Collection method: clinical testing. Allele origin: germline.
Comment: In summary, the currently available evidence indicates that the variant is pathogenic, but additional data are needed to prove that conclusively. Therefore, this variant has been classified as Likely Pathogenic. This variant disrupts the p.Ser453 amino acid residue in MAN2B1. Other variant(s) that disrupt this residue have been determined to be pathogenic (PMID: 12718372, 21505070). This suggests that this residue is clinically significant, and that variants that disrupt this residue are likely to be disease-causing. Experimental studies have shown that this missense change affects MAN2B1 function (PMID: 21505070, 22161967). Advanced modeling of protein sequence and biophysical properties (such as structural, functional, and spatial information, amino acid conservation, physicochemical variation, residue mobility, and thermodynamic stability) has been performed at Invitae for this missense variant, however the output from this modeling did not meet the statistical confidence thresholds required to predict the impact of this variant on MAN2B1 protein function. ClinVar contains an entry for this variant (Variation ID: 208268). This missense change has been observed in individual(s) with mannosidosis (PMID: 26048034). It has also been observed to segregate with disease in related individuals. This variant is not present in population databases (gnomAD no frequency). This sequence change replaces serine, which is neutral and polar, with phenylalanine, which is neutral and non-polar, at codon 453 of the MAN2B1 protein (p.Ser453Phe).

ClinVar Staff, National Center for Biotechnology Information (NCBI)
Classification: Uncertain significance for Deficiency of alpha-mannosidase. Last evaluated: 2012-06-07. Review status: no assertion criteria provided. Collection method: literature only. Allele origin: germline. Affected: yes. Not counted in ClinVar's aggregate classification.

Literature cited by the submitters: PubMed 26048034 (cited by Natera, Inc. and Labcorp Genetics (formerly Invitae), Labcorp); PubMed 21505070 (cited by Natera, Inc. and Labcorp Genetics (formerly Invitae), Labcorp); PubMed 25762455 (cited by Natera, Inc.); PubMed 12718372 (cited by Labcorp Genetics (formerly Invitae), Labcorp); PubMed 22161967 (cited by Labcorp Genetics (formerly Invitae), Labcorp and ClinVar Staff, National Center for Biotechnology Information (NCBI)).